The following is an entry in ClinVar:

NM_001201543.2(FAM161A):c.1688C>T (p.Ala563Val)

Gene: FAM161A (FAM161 centrosomal protein A; minus strand). Cytogenetic location: 2p15.
Variant type: single nucleotide variant.
Coding change: c.1688C>T on transcript NM_001201543.2 (MANE Select); coding-DNA position 1688, C replaced by T.
Protein change: p.Ala563Val; replaces alanine 563 with valine.
Molecular consequence: missense variant. On other transcripts: intron variant (1).
Genome position (GRCh38, 1-based): chr2:61,838,601, G>A on the plus strand (C>T on the coding strand, the complement: FAM161A is on the minus strand). VCF-style: chr2-61838601-G-A. GRCh37 (hg19) VCF-style: chr2-62065736-G-A.
Other names: c.1583+820C>T (NM_032180.3); short protein forms A563V.
Identifiers: ClinVar variation 1715496 (VCV001715496.5), dbSNP rs1672859918, ClinGen allele CA346985988.

ClinVar aggregate classification (germline): Uncertain significance (1 of 4 stars; one submission).

Submission:

Labcorp Genetics (formerly Invitae), Labcorp
Classification: Uncertain significance. Last evaluated: 2022-08-15. Review status: criteria provided, single submitter. Criteria: Invitae Variant Classification Sherloc (09022015). Collection method: clinical testing. Allele origin: germline.
Comment: This sequence change replaces alanine, which is neutral and non-polar, with valine, which is neutral and non-polar, at codon 563 of the FAM161A protein (p.Ala563Val). This variant is not present in population databases (gnomAD no frequency). This variant has not been reported in the literature in individuals affected with FAM161A-related conditions. Algorithms developed to predict the effect of missense changes on protein structure and function output the following: SIFT: "Deleterious"; PolyPhen-2: "Benign"; Align-GVGD: "Class C0". The valine amino acid residue is found in multiple mammalian species, which suggests that this missense change does not adversely affect protein function. In summary, the available evidence is currently insufficient to determine the role of this variant in disease. Therefore, it has been classified as a Variant of Uncertain Significance.